The following is an entry in ClinVar:

ClinVar aggregate classification (germline): Uncertain significance (1 of 4 stars; one submission).

Conditions:
Hereditary cancer-predisposing syndrome. Also called: Hereditary Cancer Syndrome; Hereditary neoplastic syndrome; Neoplastic Syndromes, Hereditary; Tumor predisposition. Identifiers: Orphanet 140162, MedGen C0027672, MeSH D009386, MONDO:0015356.

Submission:

Ambry Genetics
Classification: Uncertain significance for Hereditary cancer-predisposing syndrome. Last evaluated: 2025-06-01. Review status: criteria provided, single submitter. Criteria: Ambry Variant Classification Scheme 2023. Collection method: clinical testing. Allele origin: germline.
Comment: The p.E3V variant (also known as c.8A>T), located in coding exon 1 of the PALB2 gene, results from an A to T substitution at nucleotide position 8. The glutamic acid at codon 3 is replaced by valine, an amino acid with dissimilar properties. This amino acid position is conserved. In addition, this alteration is predicted to be tolerated by in silico analysis. Based on the available evidence, the clinical significance of this variant remains unclear.

NM_024675.4(PALB2):c.8A>T (p.Glu3Val)

Gene: PALB2 (partner and localizer of BRCA2; minus strand). Cytogenetic location: 16p12.2.
Variant type: single nucleotide variant.
Coding change: c.8A>T on transcript NM_024675.4 (MANE Select); coding-DNA position 8, A replaced by T.
Protein change: p.Glu3Val; replaces glutamic acid 3 with valine.
Molecular consequence: missense variant. On other transcripts: 5 prime UTR variant (10).
Genome position (GRCh38, 1-based): chr16:23,641,150, T>A on the plus strand (A>T on the coding strand, the complement: PALB2 is on the minus strand). VCF-style: chr16-23641150-T-A. GRCh37 (hg19) VCF-style: chr16-23652471-T-A.
Other names: c.8A>T, p.Glu3Val (NM_001407296.1, NM_001407297.1, NM_001407298.1 and 5 more transcripts); c.-1736A>T (NM_001407304.1, NM_001407310.1); c.-1012A>T (NM_001407305.1, NM_001407307.1, NM_001407309.1 and 1 more transcripts); c.-861A>T (NM_001407306.1, NM_001407308.1); c.-145A>T (NM_001407312.1, NM_001407313.1); short protein forms E3V.
Identifiers: ClinVar variation 3927457 (VCV003927457.1).
Genomic context (GRCh38, chr16:23,641,150, plus strand): 5'-CCTTCCCGCACCCCCGGCACCTTTTCCTTCTCCTCACAGCTGAGGGGCTTCCCGGGAGGC[T>A]CGTCCATCGGGCAGGCGACAGAACGAAAAGAGCAGCCGTCGCCGACCCCAGGCCTGCCGA-3'
Protein context (NP_078951.2, residues 1-13): MD[Glu3Val]PPGKPLSCEE